The following is an entry in ClinVar:

NM_000392.5(ABCC2):c.1602G>T (p.Lys534Asn)

Gene: ABCC2 (ATP binding cassette subfamily C member 2; plus strand). Cytogenetic location: 10q24.2.
Variant type: single nucleotide variant.
Coding change: c.1602G>T on transcript NM_000392.5 (MANE Select); coding-DNA position 1602, G replaced by T.
Protein change: p.Lys534Asn; replaces lysine 534 with asparagine.
Molecular consequence: missense variant.
Genome position (GRCh38, 1-based): chr10:99,807,455, G>T. VCF-style: chr10-99807455-G-T. GRCh37 (hg19) VCF-style: chr10-101567212-G-T.
Other names: p.Lys534Asn; c.1602G>T (NM_000392.4); c.1602G>T, p.Lys534Asn (LRG_1208t1); short protein forms K534N.
Identifiers: ClinVar variation 298452 (VCV000298452.21), dbSNP rs149593061, ClinGen allele CA5643228.

ClinVar aggregate classification (germline): Conflicting classifications of pathogenicity. Review status: criteria provided, conflicting classifications (1 of 4 stars). 6 submissions from 6 submitters: Uncertain significance (5); Likely benign (1). Last evaluated 2026-08-12.

Conditions:
Dubin-Johnson syndrome (DJS). Also called: HYPERBILIRUBINEMIA, DUBIN-JOHNSON TYPE; Jaundice, Chronic Idiopathic; Hyperbilirubinemia type 2. Identifiers: Orphanet 234, MedGen C0022350, MONDO:0009380, OMIM 237500.
ABCC2-related disorder. Also called: ABCC2-related condition.
Inborn genetic diseases. Identifiers: MedGen C0950123, MeSH D030342.

Allele frequency attached by ClinVar (database versions not stated): ExAC 0.00013; gnomAD 0.00022 and 0.00023; TOPMed 0.00026; ESP Exome Variant Server 0.00046.
gnomAD v4.1: 307 of 1,613,998 alleles (0.019%); highest among the groups gnomAD compares: Non-Finnish European, 0.025%; no homozygotes.

Submissions (6):

PreventionGenetics, part of Exact Sciences
Classification: Uncertain significance for ABCC2-related condition. Last evaluated: 2026-08-12. Review status: criteria provided, single submitter. Criteria: ACMG Guidelines, 2015. Collection method: clinical testing. Allele origin: germline.
Comment: The ABCC2 c.1602G>T variant is predicted to result in the amino acid substitution p.Lys534Asn. To our knowledge, this variant has not been reported in the literature. This variant is reported in 0.023% of alleles in individuals of European (Non-Finnish) descent in gnomAD. At this time, the clinical significance of this variant is uncertain due to the absence of conclusive functional and genetic evidence.

Ambry Genetics
Classification: Uncertain significance for Inborn genetic diseases. Last evaluated: 2024-12-17. Review status: criteria provided, single submitter. Criteria: Ambry Variant Classification Scheme 2023. Collection method: clinical testing. Allele origin: germline.

Blueprint Genetics
Classification: Uncertain significance. Last evaluated: 2024-09-12. Review status: criteria provided, single submitter. Criteria: ACMG Guidelines, 2015. Collection method: clinical testing. Allele origin: germline.

Labcorp Genetics (formerly Invitae), Labcorp
Classification: Likely benign. Last evaluated: 2024-03-16. Review status: criteria provided, single submitter. Criteria: Invitae Variant Classification Sherloc (09022015). Collection method: clinical testing. Allele origin: germline.

Mayo Clinic Laboratories, Mayo Clinic
Classification: Uncertain significance. Last evaluated: 2021-12-15. Review status: criteria provided, single submitter. Criteria: ACMG Guidelines, 2015. Collection method: clinical testing. Allele origin: germline.

Illumina Laboratory Services, Illumina
Classification: Uncertain significance for Dubin-Johnson syndrome. Last evaluated: 2018-01-13. Review status: criteria provided, single submitter. Criteria: ICSL Variant Classification Criteria 13 December 2019. Collection method: clinical testing. Allele origin: germline.